The following is an entry in ClinVar:

ClinVar aggregate classification (germline): Uncertain significance (1 of 4 stars; one submission).

Conditions:
Deficiency of 2-methylbutyryl-CoA dehydrogenase (ACADSB). Also called: 2-methylbutyrylglycinuria; 2-methylbutyryl-CoA dehydrogenase deficiency; SBCAD deficiency; 2-methylbutyric aciduria; Short branched-chain acyl-CoA dehydrogenase deficiency. Identifiers: Orphanet 79157, MedGen C1864912, MONDO:0012392, OMIM 610006, HP:0020147.

Allele frequency attached by ClinVar (database versions not stated): gnomAD exomes 0.00001; TOPMed 0.00002; gnomAD 0.00003.
gnomAD v4.1: 12 of 1,610,712 alleles (0.00075%); highest among the groups gnomAD compares: Middle Eastern, 0.049%; no homozygotes.

Submission:

Labcorp Genetics (formerly Invitae), Labcorp
Classification: Uncertain significance for Deficiency of 2-methylbutyryl-CoA dehydrogenase. Last evaluated: 2019-12-17. Review status: criteria provided, single submitter. Criteria: Invitae Variant Classification Sherloc (09022015). Collection method: clinical testing. Allele origin: germline.
Comment: In summary, the available evidence is currently insufficient to determine the role of this variant in disease. Therefore, it has been classified as a Variant of Uncertain Significance. Algorithms developed to predict the effect of sequence changes on RNA splicing suggest that this variant may create or strengthen a splice site, but this prediction has not been confirmed by published transcriptional studies. Algorithms developed to predict the effect of missense changes on protein structure and function do not agree on the potential impact of this missense change (SIFT: "Deleterious"; PolyPhen-2: "Benign"; Align-GVGD: "Class C0"). This variant has not been reported in the literature in individuals with ACADSB-related disease. This variant is not present in population databases (ExAC no frequency). This sequence change replaces aspartic acid with glycine at codon 59 of the ACADSB protein (p.Asp59Gly). The aspartic acid residue is weakly conserved and there is a moderate physicochemical difference between aspartic acid and glycine.

NM_001609.4(ACADSB):c.176A>G (p.Asp59Gly)

Gene: ACADSB (acyl-CoA dehydrogenase short/branched chain; plus strand). Cytogenetic location: 10q26.13.
Variant type: single nucleotide variant.
Coding change: c.176A>G on transcript NM_001609.4 (MANE Select); coding-DNA position 176, A replaced by G.
Protein change: p.Asp59Gly; replaces aspartic acid 59 with glycine.
Molecular consequence: missense variant. On other transcripts: 5 prime UTR variant (1).
Genome position (GRCh38, 1-based): chr10:123,034,489, A>G. VCF-style: chr10-123034489-A-G. GRCh37 (hg19) VCF-style: chr10-124794005-A-G.
Other names: c.-30A>G (NM_001330174.3); short protein forms D59G.
Identifiers: ClinVar variation 571020 (VCV000571020.9), dbSNP rs1375520384, ClinGen allele CA378616108.